The following is an entry in ClinVar:

NM_001267550.2(TTN):c.101153G>A (p.Gly33718Asp)

Genes: TTN (titin; minus strand), TTN-AS1 (TTN antisense RNA 1; plus strand). Cytogenetic location: 2q31.2.
Variant type: single nucleotide variant.
Coding change: c.101153G>A on transcript NM_001267550.2 (MANE Select); coding-DNA position 101153, G replaced by A.
Protein change: p.Gly33718Asp; replaces glycine 33718 with aspartic acid.
Molecular consequence: missense variant.
Genome position (GRCh38, 1-based): chr2:178,535,462, C>T on the plus strand (G>A on the coding strand, the complement: TTN is on the minus strand). VCF-style: chr2-178535462-C-T. GRCh37 (hg19) VCF-style: chr2-179400189-C-T.
Other names: c.96230G>A, p.Gly32077Asp (NM_001256850.1); c.73958G>A, p.Gly24653Asp (NM_003319.4); c.93449G>A, p.Gly31150Asp (NM_133378.4); c.74333G>A, p.Gly24778Asp (NM_133432.3); c.74534G>A, p.Gly24845Asp (NM_133437.4); short protein forms G24778D, G24845D, G33718D, G24653D, G31150D, G32077D.
Identifiers: ClinVar variation 1996662 (VCV001996662.4), dbSNP rs2468575539, ClinGen allele CA349421521.

ClinVar aggregate classification (germline): Uncertain significance (1 of 4 stars; one submission).

Conditions:
Dilated cardiomyopathy 1G (CMD1G). Identifiers: Orphanet 154, MedGen C1858763, MONDO:0011400, OMIM 604145.
Autosomal recessive limb-girdle muscular dystrophy type 2J (LGMDR10). Also called: Limb-girdle muscular dystrophy, type 2J; MUSCULAR DYSTROPHY, LIMB-GIRDLE, AUTOSOMAL RECESSIVE 10. Identifiers: Orphanet 140922, MedGen C1837342, MONDO:0012127, OMIM 608807.

Submission:

Labcorp Genetics (formerly Invitae), Labcorp
Classification: Uncertain significance for Dilated cardiomyopathy 1G; Autosomal recessive limb-girdle muscular dystrophy type 2J. Last evaluated: 2022-05-20. Review status: criteria provided, single submitter. Criteria: Invitae Variant Classification Sherloc (09022015). Collection method: clinical testing. Allele origin: germline.
Comment: This variant is not present in population databases (gnomAD no frequency). This sequence change replaces glycine, which is neutral and non-polar, with aspartic acid, which is acidic and polar, at codon 33718 of the TTN protein (p.Gly33718Asp). This variant has not been reported in the literature in individuals affected with TTN-related conditions. This variant is located in the M band of TTN (PMID: 25589632). Variants in this region may be relevant for neuromuscular disorders, but have not been definitively shown to cause cardiomyopathy (PMID: 23975875). In summary, the available evidence is currently insufficient to determine the role of this variant in disease. Therefore, it has been classified as a Variant of Uncertain Significance. Experimental studies and prediction algorithms are not available or were not evaluated, and the functional significance of this variant is currently unknown.

Literature cited by the submitters: PubMed 25589632; PubMed 23975875.